The following is an entry in ClinVar:

NM_005120.3(MED12):c.6177ACAGCAACAGCAGCAGCAGCAGCA[1] (p.Gln2069_Gln2076del)

Gene: MED12 (mediator complex subunit 12; plus strand). Cytogenetic location: Xq13.1.
Variant type: Microsatellite.
Coding change: c.6177ACAGCAACAGCAGCAGCAGCAGCA[1] on transcript NM_005120.3 (MANE Select); one copy of the 24-base unit ACAGCAACAGCAGCAGCAGCAGCA starting at c.6177; the reference has two copies in a row; one copy, 24 bases deleted.
Protein change: p.Gln2069_Gln2076del.
Molecular consequence: inframe deletion.
Genome position (GRCh38, 1-based): chrX:71,140,791-71,140,814, ACAGCAACAGCAGCAGCAGCAGCA deleted; deleting any 24 consecutive bases within chrX:71,140,759-71,140,814 gives the same sequence; the position shown is the placement nearest the transcript's 3' end. VCF-style (leftmost placement, unchanged base first): chrX-71140758-ACAGCAGCAACAGCAACAGCAGCAG-A. GRCh37 (hg19) VCF-style: chrX-70360608-ACAGCAGCAACAGCAACAGCAGCAG-A.
Identifiers: ClinVar variation 408883 (VCV000408883.7), dbSNP rs773709991, ClinGen allele CA10444885.

ClinVar aggregate classification (germline): Uncertain significance (1 of 4 stars; one submission).

Conditions:
FG syndrome (FGS). Identifiers: MedGen C0220769, MONDO:0002010.

Submission:

Labcorp Genetics (formerly Invitae), Labcorp
Classification: Uncertain significance for FG syndrome. Last evaluated: 2025-08-17. Review status: criteria provided, single submitter. Criteria: Invitae Variant Classification Sherloc (09022015). Collection method: clinical testing. Allele origin: germline.
Comment: This variant, c.6201_6224del, results in the deletion of 8 amino acid(s) of the MED12 protein (p.Gln2069_Gln2076del), but otherwise preserves the integrity of the reading frame. The frequency data for this variant in the population databases is considered unreliable, as metrics indicate poor data quality at this position in the gnomAD database. This variant has not been reported in the literature in individuals affected with MED12-related conditions. Experimental studies and prediction algorithms are not available or were not evaluated, and the functional significance of this variant is currently unknown. In summary, the available evidence is currently insufficient to determine the role of this variant in disease. Therefore, it has been classified as a Variant of Uncertain Significance.